The following is an entry in ClinVar:

NM_001282933.2(ZNF341):c.2108G>A (p.Arg703His)

Genes: ZNF341 (zinc finger protein 341; plus strand), ZNF341-AS1 (ZNF341 antisense RNA 1; minus strand). Cytogenetic location: 20q11.22.
Variant type: single nucleotide variant.
Coding change: c.2108G>A on transcript NM_001282933.2 (MANE Select); coding-DNA position 2108, G replaced by A.
Protein change: p.Arg703His; replaces arginine 703 with histidine.
Molecular consequence: missense variant. On other transcripts: non-coding transcript variant (1).
Genome position (GRCh38, 1-based): chr20:33,791,060, G>A. VCF-style: chr20-33791060-G-A. GRCh37 (hg19) VCF-style: chr20-32378866-G-A.
Other names: c.1838G>A, p.Arg613His (NM_001282935.2); c.2087G>A, p.Arg696His (NM_032819.5); c.2087G>A (NM_032819.3); short protein forms R613H, R703H, R696H.
Identifiers: ClinVar variation 1512436 (VCV001512436.9), dbSNP rs369841423, ClinGen allele CA9819705.

ClinVar aggregate classification (germline): Uncertain significance. Review status: criteria provided, multiple submitters, no conflicts (2 of 4 stars). 4 submissions from 4 submitters: Uncertain significance (4). Last evaluated 2024-07-07.

Allele frequency attached by ClinVar (database versions not stated): ExAC 0.00001; gnomAD exomes 0.00001 and 0.00003; gnomAD 0.00006; TOPMed 0.00007; ESP Exome Variant Server 0.00008.
gnomAD v4.1: 48 of 1,613,454 alleles (0.003%); highest among the groups gnomAD compares: Middle Eastern, 0.31%; 1 homozygote.

Submissions (4):

Ambry Genetics
Classification: Uncertain significance. Last evaluated: 2024-07-07. Review status: criteria provided, single submitter. Criteria: Ambry Variant Classification Scheme 2023. Collection method: clinical testing. Allele origin: germline.

Blueprint Genetics
Classification: Uncertain significance. Last evaluated: 2023-05-05. Review status: criteria provided, single submitter. Criteria: ACMG Guidelines, 2015. Collection method: clinical testing. Allele origin: germline.

Labcorp Genetics (formerly Invitae), Labcorp
Classification: Uncertain significance. Last evaluated: 2022-07-19. Review status: criteria provided, single submitter. Criteria: Invitae Variant Classification Sherloc (09022015). Collection method: clinical testing. Allele origin: germline.
Comment: This sequence change replaces arginine, which is basic and polar, with histidine, which is basic and polar, at codon 696 of the ZNF341 protein (p.Arg696His). This variant is present in population databases (rs369841423, gnomAD 0.01%). This variant has not been reported in the literature in individuals affected with ZNF341-related conditions. ClinVar contains an entry for this variant (Variation ID: 1512436). Algorithms developed to predict the effect of missense changes on protein structure and function output the following: SIFT: "Deleterious"; PolyPhen-2: "Benign"; Align-GVGD: "Class C0". The histidine amino acid residue is found in multiple mammalian species, which suggests that this missense change does not adversely affect protein function. In summary, the available evidence is currently insufficient to determine the role of this variant in disease. Therefore, it has been classified as a Variant of Uncertain Significance.

Breakthrough Genomics
Classification: Uncertain significance. Review status: criteria provided, single submitter. Criteria: ACMG Guidelines, 2015. Collection method: not provided. Allele origin: germline. Inheritance: Autosomal dominant inheritance. Affected: yes.